The following is an entry in ClinVar:

NM_198994.3(TGM6):c.326T>C (p.Ile109Thr)

Gene: TGM6 (transglutaminase 6; plus strand). Cytogenetic location: 20p13.
Variant type: single nucleotide variant.
Coding change: c.326T>C on transcript NM_198994.3 (MANE Select); coding-DNA position 326, T replaced by C.
Protein change: p.Ile109Thr; replaces isoleucine 109 with threonine.
Molecular consequence: missense variant.
Genome position (GRCh38, 1-based): chr20:2,395,338, T>C. VCF-style: chr20-2395338-T-C. GRCh37 (hg19) VCF-style: chr20-2375984-T-C.
Other names: c.326T>C, p.Ile109Thr (NM_001254734.2); short protein forms I109T.
Identifiers: ClinVar variation 3682374 (VCV003682374.2).

ClinVar aggregate classification (germline): Uncertain significance (1 of 4 stars; one submission).

gnomAD v4.1: 10 of 1,614,132 alleles (0.00062%); highest among the groups gnomAD compares: Admixed American, 0.0017%; no homozygotes.

Submission:

Labcorp Genetics (formerly Invitae), Labcorp
Classification: Uncertain significance. Last evaluated: 2024-12-05. Review status: criteria provided, single submitter. Criteria: Invitae Variant Classification Sherloc (09022015). Collection method: clinical testing. Allele origin: germline.
Comment: This sequence change replaces isoleucine, which is neutral and non-polar, with threonine, which is neutral and polar, at codon 109 of the TGM6 protein (p.Ile109Thr). This variant is present in population databases (rs774291276, gnomAD 0.003%). This variant has not been reported in the literature in individuals affected with TGM6-related conditions. Invitae Evidence Modeling of protein sequence and biophysical properties (such as structural, functional, and spatial information, amino acid conservation, physicochemical variation, residue mobility, and thermodynamic stability) indicates that this missense variant is expected to disrupt TGM6 protein function with a positive predictive value of 80%. In summary, the available evidence is currently insufficient to determine the role of this variant in disease. Therefore, it has been classified as a Variant of Uncertain Significance.